The following is an entry in ClinVar:

NM_005559.4(LAMA1):c.7958A>T (p.Asn2653Ile)

Gene: LAMA1 (laminin subunit alpha 1; minus strand). Cytogenetic location: 18p11.31.
Variant type: single nucleotide variant.
Coding change: c.7958A>T on transcript NM_005559.4 (MANE Select); coding-DNA position 7958, A replaced by T.
Protein change: p.Asn2653Ile; replaces asparagine 2653 with isoleucine.
Molecular consequence: missense variant.
Genome position (GRCh38, 1-based): chr18:6,958,483, T>A on the plus strand (A>T on the coding strand, the complement: LAMA1 is on the minus strand). VCF-style: chr18-6958483-T-A. GRCh37 (hg19) VCF-style: chr18-6958482-T-A.
Other names: short protein forms N2653I.
Identifiers: ClinVar variation 3686763 (VCV003686763.2).

ClinVar aggregate classification (germline): Uncertain significance (1 of 4 stars; one submission).

Submission:

Labcorp Genetics (formerly Invitae), Labcorp
Classification: Uncertain significance. Last evaluated: 2025-01-02. Review status: criteria provided, single submitter. Criteria: Invitae Variant Classification Sherloc (09022015). Collection method: clinical testing. Allele origin: germline.
Comment: This sequence change replaces asparagine, which is neutral and polar, with isoleucine, which is neutral and non-polar, at codon 2653 of the LAMA1 protein (p.Asn2653Ile). This variant is not present in population databases (gnomAD no frequency). This variant has not been reported in the literature in individuals affected with LAMA1-related conditions. Invitae Evidence Modeling of protein sequence and biophysical properties (such as structural, functional, and spatial information, amino acid conservation, physicochemical variation, residue mobility, and thermodynamic stability) indicates that this missense variant is expected to disrupt LAMA1 protein function with a positive predictive value of 80%. In summary, the available evidence is currently insufficient to determine the role of this variant in disease. Therefore, it has been classified as a Variant of Uncertain Significance.